The following is an entry in ClinVar:

ClinVar aggregate classification (germline): Pathogenic (1 of 4 stars; one submission).

Conditions:
Peroxisome biogenesis disorder. Identifiers: Orphanet 79189, MedGen C1832200, MONDO:0019234. Disease mechanism: loss of function.

Submission:

Myriad Genetics, Inc.
Classification: Pathogenic for Peroxisome biogenesis disorder. Last evaluated: 2023-09-27. Review status: criteria provided, single submitter. Criteria: Myriad Autosomal Dominant, Autosomal Recessive and X-Linked Classification Criteria (2023). Collection method: clinical testing. Allele origin: unknown.
Comment: NM_153818.1(PEX10):c.363dupC(D122Rfs*33) is expected to be pathogenic in the context of peroxisome biogenesis disorder type 6. This variant is predicted to lead to an abnormal or absent protein product due to the creation of a premature termination codon in PEX10, a gene where loss-of-function variants are known to be pathogenic. Please note: this variant was assessed in the context of healthy population screening.

NM_002617.4(PEX10):c.363dup (p.Asp122fs)

Gene: PEX10 (peroxisomal biogenesis factor 10; minus strand). Cytogenetic location: 1p36.32.
Variant type: Duplication.
Coding change: c.363dup on transcript NM_002617.4 (MANE Select); coding-DNA position 363, one base duplicated (C; older notation c.363dupC).
Protein change: p.Asp122fs; shifts the reading frame from aspartic acid 122.
Molecular consequence: frameshift variant. On other transcripts: 5 prime UTR variant (2), non-coding transcript variant (1).
Genome position (GRCh38, 1-based): chr1:2,408,689, G duplicated on the plus strand (C on the coding strand, the reverse complement: PEX10 is on the minus strand); the first of 4 consecutive G bases (chr1:2,408,689-2,408,692); duplicating any one gives the same sequence. VCF-style (leftmost placement, unchanged base first): chr1-2408688-C-CG. GRCh37 (hg19) VCF-style: chr1-2340127-C-CG.
Other names: c.363dup, p.Asp122fs (NM_001374425.1, NM_153818.2); c.-70dup (NM_001374426.1, NM_001374427.1); short protein forms D122fs.
Identifiers: ClinVar variation 5011933 (VCV005011933.1).